The following is an entry in ClinVar:

NM_020166.5(MCCC1):c.956-252C>T

Gene: MCCC1 (methylcrotonyl-CoA carboxylase subunit 1; minus strand). Cytogenetic location: 3q27.1.
Variant type: single nucleotide variant.
Coding change: c.956-252C>T on transcript NM_020166.5 (MANE Select); 252 bases into the intron before coding-DNA position 956, C replaced by T.
Molecular consequence: intron variant.
Genome position (GRCh38, 1-based): chr3:183,045,792, G>A on the plus strand (C>T on the coding strand, the complement: MCCC1 is on the minus strand). VCF-style: chr3-183045792-G-A. GRCh37 (hg19) VCF-style: chr3-182763580-G-A.
Other names: c.629-252C>T (NM_001363880.1); c.605-252C>T (NM_001293273.2).
Identifiers: ClinVar variation 684200 (VCV000684200.1), dbSNP rs1502762, ClinGen allele CA11389154.

ClinVar aggregate classification (germline): Benign (1 of 4 stars; one submission).

Allele frequency attached by ClinVar (database versions not stated): 1000 Genomes Project 30x 0.52389; 1000 Genomes Project 0.53015; TOPMed 0.59653; gnomAD 0.61797 and 0.62148.
gnomAD v4.1: 94,737 of 152,070 alleles (62%); highest among the groups gnomAD compares: Non-Finnish European, 79%; 33,259 homozygotes.

Submission:

GeneDx
Classification: Benign. Last evaluated: 2018-06-14. Review status: criteria provided, single submitter. Criteria: GeneDx Variant Classification (06012015). Collection method: clinical testing. Allele origin: germline. Affected: yes.
Comment: This variant is considered likely benign or benign based on one or more of the following criteria: it is a conservative change, it occurs at a poorly conserved position in the protein, it is predicted to be benign by multiple in silico algorithms, and/or has population frequency not consistent with disease.